The following is an entry in ClinVar:

ClinVar aggregate classification (germline): Likely pathogenic (1 of 4 stars; one submission).

Conditions:
Bloom syndrome (BLM). Also called: Bloom-Torre-Machacek syndrome. Identifiers: Orphanet 125, MedGen C0005859, MONDO:0008876, OMIM 210900.

Submission:

Natera, Inc.
Classification: Likely pathogenic for Bloom syndrome. Last evaluated: 2025-08-11. Review status: criteria provided, single submitter. Criteria: Natera Variant Classification Schema (03/2026). Collection method: clinical testing. Allele origin: germline.
Comment: The c.1352_1355del variant in BLM is a frameshift variant predicted to shift the reading frame beginning at codon 451 and leads to a stop codon 2 codons downstream. This variant is expected to result in nonsense mediated decay, truncation, or a dysfunctional protein product. This variant is rare in the general population with a frequency below the threshold expected for the associated phenotype(s). Given the available evidence, this variant is classified as Likely Pathogenic.

NM_000057.4(BLM):c.1352_1355del (p.Lys451fs)

Gene: BLM (BLM RecQ like helicase; plus strand). Cytogenetic location: 15q26.1.
Variant type: Deletion.
Coding change: c.1352_1355del on transcript NM_000057.4 (MANE Select); coding-DNA positions 1352 to 1355, 4 bases deleted (AGGA; older notation c.1352_1355delAGGA).
Protein change: p.Lys451fs; shifts the reading frame from lysine 451.
Molecular consequence: frameshift variant.
Genome position (GRCh38, 1-based): chr15:90,760,725-90,760,728, AGGA deleted; deleting any 4 consecutive bases within chr15:90,760,723-90,760,728 gives the same sequence; the c. name uses the placement nearest the transcript's 3' end. VCF-style (leftmost placement, unchanged base first): chr15-90760722-TGAAG-T. GRCh37 (hg19) VCF-style: chr15-91303952-TGAAG-T.
Other names: c.1352_1355del, p.Lys451fs (NM_001287246.2, NM_001287247.2); c.227_230del, p.Lys76fs (NM_001287248.2); short protein forms K451fs, K76fs.
Identifiers: ClinVar variation 4815682 (VCV004815682.1).